The following is an entry in ClinVar:

NM_015001.3(SPEN):c.6217T>C (p.Ser2073Pro)

Gene: SPEN (spen family transcriptional repressor; plus strand). Cytogenetic location: 1p36.13.
Variant type: single nucleotide variant.
Coding change: c.6217T>C on transcript NM_015001.3 (MANE Select); coding-DNA position 6217, T replaced by C.
Protein change: p.Ser2073Pro; replaces serine 2073 with proline.
Molecular consequence: missense variant.
Genome position (GRCh38, 1-based): chr1:15,932,457, T>C. VCF-style: chr1-15932457-T-C. GRCh37 (hg19) VCF-style: chr1-16258952-T-C.
Other names: short protein forms S2073P.
Identifiers: ClinVar variation 3356646 (VCV003356646.1).

ClinVar aggregate classification (germline): Uncertain significance (0 of 4 stars; one submission).

Conditions:
SPEN-related disorder. Also called: SPEN-related condition.

Submission:

PreventionGenetics, part of Exact Sciences
Classification: Uncertain significance for SPEN-related condition. Last evaluated: 2024-06-05. Review status: no assertion criteria provided. Collection method: clinical testing. Allele origin: germline.
Comment: The SPEN c.6217T>C variant is predicted to result in the amino acid substitution p.Ser2073Pro. To our knowledge, this variant has not been reported in the literature. This variant is reported in 0.0018% of alleles in individuals of European (Non-Finnish) descent in gnomAD. At this time, the clinical significance of this variant is uncertain due to the absence of conclusive functional and genetic evidence.